The following is an entry in ClinVar:

NM_001291303.3(FAT4):c.13802C>T (p.Pro4601Leu)

Gene: FAT4 (FAT atypical cadherin 4; plus strand). Cytogenetic location: 4q28.1.
Variant type: single nucleotide variant.
Coding change: c.13802C>T on transcript NM_001291303.3 (MANE Select); coding-DNA position 13802, C replaced by T.
Protein change: p.Pro4601Leu; replaces proline 4601 with leucine.
Molecular consequence: missense variant.
Genome position (GRCh38, 1-based): chr4:125,490,618, C>T. VCF-style: chr4-125490618-C-T. GRCh37 (hg19) VCF-style: chr4-126411773-C-T.
Other names: c.13799C>T, p.Pro4600Leu (NM_001291285.3); c.13796C>T, p.Pro4599Leu (NM_024582.6); short protein forms P4600L, P4599L, P4601L.
Identifiers: ClinVar variation 1417368 (VCV001417368.8), dbSNP rs200851934, ClinGen allele CA3074437.

ClinVar aggregate classification (germline): Uncertain significance. Review status: criteria provided, multiple submitters, no conflicts (2 of 4 stars). 3 submissions from 3 submitters: Uncertain significance (3). Last evaluated 2026-09-16.

Conditions:
Inborn genetic diseases. Identifiers: MedGen C0950123, MeSH D030342.

Allele frequency attached by ClinVar (database versions not stated): gnomAD exomes 0.00010 and 0.00012; gnomAD 0.00011 and 0.00014; ExAC 0.00005; TOPMed 0.00014; ESP Exome Variant Server 0.00015.
gnomAD v4.1: 196 of 1,613,972 alleles (0.012%); highest among the groups gnomAD compares: Middle Eastern, 0.016%; no homozygotes.

Submissions (3):

GeneDx
Classification: Uncertain significance. Last evaluated: 2026-09-16. Review status: criteria provided, single submitter. Criteria: GeneDx Variant Classification Process June 2021. Collection method: clinical testing. Allele origin: germline.
Comment: In silico analysis supports that this missense variant has a deleterious effect on protein structure/function; Has not been previously published as pathogenic or benign to our knowledge

Ambry Genetics
Classification: Uncertain significance for Inborn genetic diseases. Last evaluated: 2024-07-30. Review status: criteria provided, single submitter. Criteria: Ambry Variant Classification Scheme 2023. Collection method: clinical testing. Allele origin: germline.

Labcorp Genetics (formerly Invitae), Labcorp
Classification: Uncertain significance. Last evaluated: 2022-10-05. Review status: criteria provided, single submitter. Criteria: Invitae Variant Classification Sherloc (09022015). Collection method: clinical testing. Allele origin: germline.
Comment: This sequence change replaces proline, which is neutral and non-polar, with leucine, which is neutral and non-polar, at codon 4599 of the FAT4 protein (p.Pro4599Leu). This variant is present in population databases (rs200851934, gnomAD 0.02%). This variant has not been reported in the literature in individuals affected with FAT4-related conditions. ClinVar contains an entry for this variant (Variation ID: 1417368). Advanced modeling of protein sequence and biophysical properties (such as structural, functional, and spatial information, amino acid conservation, physicochemical variation, residue mobility, and thermodynamic stability) performed at Invitae indicates that this missense variant is not expected to disrupt FAT4 protein function. In summary, the available evidence is currently insufficient to determine the role of this variant in disease. Therefore, it has been classified as a Variant of Uncertain Significance.